The following is an entry in ClinVar:

ClinVar aggregate classification (germline): Conflicting classifications of pathogenicity. Review status: criteria provided, conflicting classifications (1 of 4 stars). 2 submissions from 2 submitters: Uncertain significance (1); Likely benign (1). Last evaluated 2024-03-28.

Conditions:
Hereditary cancer-predisposing syndrome. Also called: Neoplastic Syndromes, Hereditary; Tumor predisposition; Hereditary Cancer Syndrome; Hereditary neoplastic syndrome. Identifiers: Orphanet 140162, MedGen C0027672, MeSH D009386, MONDO:0015356.

Allele frequency attached by ClinVar (database versions not stated): gnomAD exomes below 0.00001; gnomAD 0.00002 and 0.00003; TOPMed 0.00003.
gnomAD v4.1: 4 of 1,590,258 alleles (0.00025%); highest among the groups gnomAD compares: African/African-American, 0.0054%; no homozygotes.

Submissions (2):

Ambry Genetics
Classification: Likely benign for Hereditary cancer-predisposing syndrome. Last evaluated: 2024-03-28. Review status: criteria provided, single submitter. Criteria: Ambry Variant Classification Scheme 2023. Collection method: clinical testing. Allele origin: germline.

Labcorp Genetics (formerly Invitae), Labcorp
Classification: Uncertain significance for Hereditary cancer-predisposing syndrome. Last evaluated: 2023-11-10. Review status: criteria provided, single submitter. Criteria: Invitae Variant Classification Sherloc (09022015). Collection method: clinical testing. Allele origin: germline.
Comment: This sequence change replaces threonine, which is neutral and polar, with isoleucine, which is neutral and non-polar, at codon 935 of the RAD50 protein (p.Thr935Ile). This variant is not present in population databases (gnomAD no frequency). This variant has not been reported in the literature in individuals affected with RAD50-related conditions. ClinVar contains an entry for this variant (Variation ID: 482142). Advanced modeling of protein sequence and biophysical properties (such as structural, functional, and spatial information, amino acid conservation, physicochemical variation, residue mobility, and thermodynamic stability) performed at Invitae indicates that this missense variant is not expected to disrupt RAD50 protein function with a negative predictive value of 80%. In summary, the available evidence is currently insufficient to determine the role of this variant in disease. Therefore, it has been classified as a Variant of Uncertain Significance.

NM_005732.4(RAD50):c.2804C>T (p.Thr935Ile)

Gene: RAD50 (RAD50 double strand break repair protein; plus strand). Cytogenetic location: 5q31.1.
Variant type: single nucleotide variant.
Coding change: c.2804C>T on transcript NM_005732.4 (MANE Select); coding-DNA position 2804, C replaced by T.
Protein change: p.Thr935Ile; replaces threonine 935 with isoleucine.
Molecular consequence: missense variant.
Genome position (GRCh38, 1-based): chr5:132,608,700, C>T. VCF-style: chr5-132608700-C-T. GRCh37 (hg19) VCF-style: chr5-131944392-C-T.
Other names: short protein forms T935I.
Identifiers: ClinVar variation 482142 (VCV000482142.15), dbSNP rs977809879, ClinGen allele CA127260526.